The following is an entry in ClinVar:

ClinVar aggregate classification (germline): Uncertain significance (1 of 4 stars; one submission).

Conditions:
Hereditary cancer-predisposing syndrome. Also called: Hereditary Cancer Syndrome; Hereditary neoplastic syndrome; Neoplastic Syndromes, Hereditary; Tumor predisposition. Identifiers: Orphanet 140162, MedGen C0027672, MeSH D009386, MONDO:0015356.

gnomAD v4.1: 1 of 1,613,178 alleles (0.000062%); highest among the groups gnomAD compares: Non-Finnish European, 0.000085%; no homozygotes.

Submission:

Ambry Genetics
Classification: Uncertain significance for Hereditary cancer-predisposing syndrome. Last evaluated: 2025-08-02. Review status: criteria provided, single submitter. Criteria: Ambry Variant Classification Scheme 2023. Collection method: clinical testing. Allele origin: germline.
Comment: The p.K39N variant (also known as c.117G>T), located in coding exon 2 of the BRIP1 gene, results from a G to T substitution at nucleotide position 117. The lysine at codon 39 is replaced by asparagine, an amino acid with similar properties. This amino acid position is conserved. In addition, this alteration is predicted to be tolerated by in silico analysis. Based on the available evidence, the clinical significance of this variant remains unclear.

NM_032043.3(BRIP1):c.117G>T (p.Lys39Asn)

Gene: BRIP1 (BRCA1 interacting DNA helicase 1; minus strand). Cytogenetic location: 17q23.2.
Variant type: single nucleotide variant.
Coding change: c.117G>T on transcript NM_032043.3 (MANE Select); coding-DNA position 117, G replaced by T.
Protein change: p.Lys39Asn; replaces lysine 39 with asparagine.
Molecular consequence: missense variant.
Genome position (GRCh38, 1-based): chr17:61,859,884, C>A on the plus strand (G>T on the coding strand, the complement: BRIP1 is on the minus strand). VCF-style: chr17-61859884-C-A. GRCh37 (hg19) VCF-style: chr17-59937245-C-A.
Other names: short protein forms K39N.
Identifiers: ClinVar variation 4216268 (VCV004216268.1).